The following is an entry in ClinVar:

NM_003000.3(SDHB):c.541-7C>T

Gene: SDHB (succinate dehydrogenase complex iron sulfur subunit B; minus strand). Cytogenetic location: 1p36.13.
Variant type: single nucleotide variant.
Coding change: c.541-7C>T on transcript NM_003000.3 (MANE Select); 7 bases into the intron before coding-DNA position 541, C replaced by T.
Molecular consequence: intron variant.
Genome position (GRCh38, 1-based): chr1:17,024,081, G>A on the plus strand (C>T on the coding strand, the complement: SDHB is on the minus strand). VCF-style: chr1-17024081-G-A. GRCh37 (hg19) VCF-style: chr1-17350576-G-A.
Identifiers: ClinVar variation 528761 (VCV000528761.9), dbSNP rs201558574, ClinGen allele CA18663270.

ClinVar aggregate classification (germline): Likely benign. Review status: criteria provided, multiple submitters, no conflicts (2 of 4 stars). 2 submissions from 2 submitters: Likely benign (2). Last evaluated 2025-09-18.

Conditions:
Pheochromocytoma. Also called: MAX-Related Hereditary Paraganglioma-Pheochromocytoma Syndrome. Identifiers: Orphanet 29072, MedGen C0031511, MONDO:0008233, OMIM 171300, HP:0002666.
Gastrointestinal stromal tumor. Also called: Gastrointestinal stromal tumor, somatic; Gastrointestinal stroma tumor. Identifiers: Orphanet 44890, MedGen C0238198, MeSH D046152, MONDO:0011719, OMIM 606764, HP:0100723.
Pheochromocytoma/paraganglioma syndrome 4. Also called: SDHB-Related Hereditary Paraganglioma-Pheochromocytoma Syndrome; PARAGANGLIOMA, FAMILIAL MALIGNANT; PARAGANGLIOMAS, HEREDITARY EXTRAADRENAL; PHEOCHROMOCYTOMA, FAMILIAL EXTRAADRENAL; Paragangliomas 4; CAROTID BODY TUMORS AND MULTIPLE EXTRAADRENAL PHEOCHROMOCYTOMAS. Identifiers: Orphanet 29072, MedGen C1861848, MONDO:0007273, OMIM 115310.

Allele frequency attached by ClinVar (database versions not stated): TOPMed below 0.00001; gnomAD 0.00001.
gnomAD v4.1: 3 of 1,601,748 alleles (0.00019%); highest among the groups gnomAD compares: Admixed American, 0.0017%; no homozygotes.

Submissions (2):

Labcorp Genetics (formerly Invitae), Labcorp
Classification: Likely benign for Gastrointestinal stromal tumor; Pheochromocytoma/paraganglioma syndrome 4; Pheochromocytoma. Last evaluated: 2025-09-18. Review status: criteria provided, single submitter. Criteria: Invitae Variant Classification Sherloc (09022015). Collection method: clinical testing. Allele origin: germline.

Myriad Genetics, Inc.
Classification: Likely benign for Pheochromocytoma/paraganglioma syndrome 4. Last evaluated: 2025-03-13. Review status: criteria provided, single submitter. Criteria: Myriad Autosomal Dominant, Autosomal Recessive and X-Linked Classification Criteria (2023). Collection method: clinical testing. Allele origin: unknown.
Comment: This variant is considered likely benign. This variant is intronic and is not expected to impact mRNA splicing.